The following is an entry in ClinVar:

NM_133433.4(NIPBL):c.7118C>T (p.Thr2373Ile)

Gene: NIPBL (NIPBL cohesin loading factor; plus strand). Cytogenetic location: 5p13.2.
Variant type: single nucleotide variant.
Coding change: c.7118C>T on transcript NM_133433.4 (MANE Select); coding-DNA position 7118, C replaced by T.
Protein change: p.Thr2373Ile; replaces threonine 2373 with isoleucine.
Molecular consequence: missense variant.
Genome position (GRCh38, 1-based): chr5:37,052,421, C>T. VCF-style: chr5-37052421-C-T. GRCh37 (hg19) VCF-style: chr5-37052523-C-T.
Other names: c.7118C>T, p.Thr2373Ile (NM_015384.5); c.7118C>T (NM_133433.3); short protein forms T2373I.
Identifiers: ClinVar variation 2804748 (VCV002804748.4), dbSNP rs373666652, ClinGen allele CA3237142.

ClinVar aggregate classification (germline): Conflicting classifications of pathogenicity. Review status: criteria provided, conflicting classifications (1 of 4 stars). 2 submissions from 2 submitters: Uncertain significance (1); Likely benign (1). Last evaluated 2023-12-18.

Conditions:
Inborn genetic diseases. Identifiers: MedGen C0950123, MeSH D030342.
Cornelia de Lange syndrome 1 (CDLS1). Also called: Brachmann de Lange syndrome; NIPBL-Related Cornelia de Lange Syndrome; TYPUS DEGENERATIVUS AMSTELODAMENSIS. Identifiers: Orphanet 199, MedGen C4551851, MONDO:0007387, OMIM 122470.

Allele frequency attached by ClinVar (database versions not stated): gnomAD 0.00001; TOPMed 0.00001; ExAC 0.00002; gnomAD exomes 0.00005; ESP Exome Variant Server 0.00008.
gnomAD v4.1: 76 of 1,613,940 alleles (0.0047%); highest among the groups gnomAD compares: Non-Finnish European, 0.0064%; no homozygotes.

Submissions (2):

Ambry Genetics
Classification: Likely benign for Inborn genetic diseases. Last evaluated: 2023-12-18. Review status: criteria provided, single submitter. Criteria: Ambry Variant Classification Scheme 2023. Collection method: clinical testing. Allele origin: germline.

Labcorp Genetics (formerly Invitae), Labcorp
Classification: Uncertain significance for Cornelia de Lange syndrome 1. Last evaluated: 2023-08-14. Review status: criteria provided, single submitter. Criteria: Invitae Variant Classification Sherloc (09022015). Collection method: clinical testing. Allele origin: germline.
Comment: This sequence change replaces threonine, which is neutral and polar, with isoleucine, which is neutral and non-polar, at codon 2373 of the NIPBL protein (p.Thr2373Ile). In summary, the available evidence is currently insufficient to determine the role of this variant in disease. Therefore, it has been classified as a Variant of Uncertain Significance. Advanced modeling of protein sequence and biophysical properties (such as structural, functional, and spatial information, amino acid conservation, physicochemical variation, residue mobility, and thermodynamic stability) performed at Invitae indicates that this missense variant is not expected to disrupt NIPBL protein function. This variant has not been reported in the literature in individuals affected with NIPBL-related conditions. This variant is present in population databases (rs373666652, gnomAD 0.003%).